The following is an entry in ClinVar:

ClinVar aggregate classification (germline): Uncertain significance (1 of 4 stars; one submission).

Conditions:
Aicardi-Goutieres syndrome 6 (AGS6). Identifiers: Orphanet 51, MedGen C3539013, MONDO:0014007, OMIM 615010.
Symmetrical dyschromatosis of extremities (DSH). Also called: DYSCHROMATOSIS SYMMETRICA HEREDITARIA 1; RETICULATE ACROPIGMENTATION OF DOHI; SYMMETRIC DYSCHROMATOSIS OF THE EXTREMITIES; Dyschromatosis symmetrica hereditaria. Identifiers: Orphanet 41, MedGen C0406775, MONDO:0007483, OMIM 127400.

Allele frequency attached by ClinVar (database versions not stated): gnomAD exomes 0.00001; TOPMed 0.00002.
gnomAD v4.1: 14 of 1,612,796 alleles (0.00087%); highest among the groups gnomAD compares: Non-Finnish European, 0.0011%; no homozygotes.

Submission:

Labcorp Genetics (formerly Invitae), Labcorp
Classification: Uncertain significance for Aicardi-Goutieres syndrome 6; Symmetrical dyschromatosis of extremities. Last evaluated: 2026-01-11. Review status: criteria provided, single submitter. Criteria: Invitae Variant Classification Sherloc (09022015). Collection method: clinical testing. Allele origin: germline.
Comment: This sequence change replaces threonine, which is neutral and polar, with alanine, which is neutral and non-polar, at codon 348 of the ADAR protein (p.Thr348Ala). This variant is not present in population databases (gnomAD no frequency). This variant has not been reported in the literature in individuals affected with ADAR-related conditions. ClinVar contains an entry for this variant (Variation ID: 579742). Invitae Evidence Modeling of protein sequence and biophysical properties (such as structural, functional, and spatial information, amino acid conservation, physicochemical variation, residue mobility, and thermodynamic stability) indicates that this missense variant is not expected to disrupt ADAR protein function with a negative predictive value of 80%. In summary, the available evidence is currently insufficient to determine the role of this variant in disease. Therefore, it has been classified as a Variant of Uncertain Significance.

NM_001111.5(ADAR):c.1042A>G (p.Thr348Ala)

Gene: ADAR (adenosine deaminase RNA specific; minus strand). Cytogenetic location: 1q21.3.
Variant type: single nucleotide variant.
Coding change: c.1042A>G on transcript NM_001111.5 (MANE Select); coding-DNA position 1042, A replaced by G.
Protein change: p.Thr348Ala; replaces threonine 348 with alanine.
Molecular consequence: missense variant.
Genome position (GRCh38, 1-based): chr1:154,601,600, T>C on the plus strand (A>G on the coding strand, the complement: ADAR is on the minus strand). VCF-style: chr1-154601600-T-C. GRCh37 (hg19) VCF-style: chr1-154574076-T-C.
Other names: c.157A>G, p.Thr53Ala (NM_001025107.3, NM_001193495.2, NM_001365046.1 and 3 more transcripts); c.1069A>G, p.Thr357Ala (NM_001365045.1); c.1042A>G, p.Thr348Ala (NM_015840.4, NM_015841.4, LRG_1212t1); short protein forms T348A, T357A, T53A.
Identifiers: ClinVar variation 579742 (VCV000579742.8), dbSNP rs1456341426, ClinGen allele CA342598810.